The following is an entry in ClinVar:

ClinVar aggregate classification (germline): Conflicting classifications of pathogenicity. Review status: criteria provided, conflicting classifications (1 of 4 stars). 4 submissions from 4 submitters: Uncertain significance (3); Likely benign (1). Last evaluated 2024-09-04.

Conditions:
Inborn genetic diseases. Identifiers: MedGen C0950123, MeSH D030342.

Allele frequency attached by ClinVar (database versions not stated): ExAC 0.00001; gnomAD 0.00001; 1000 Genomes Project 30x 0.00016; 1000 Genomes Project 0.00020.
gnomAD v4.1: 4 of 1,614,092 alleles (0.00025%); highest among the groups gnomAD compares: East Asian, 0.0067%; no homozygotes.

Submissions (4):

Labcorp Genetics (formerly Invitae), Labcorp
Classification: Likely benign. Last evaluated: 2024-09-04. Review status: criteria provided, single submitter. Criteria: Invitae Variant Classification Sherloc (09022015). Collection method: clinical testing. Allele origin: germline.

GeneDx
Classification: Uncertain significance. Last evaluated: 2024-06-25. Review status: criteria provided, single submitter. Criteria: GeneDx Variant Classification Process June 2021. Collection method: clinical testing. Allele origin: germline. Affected: yes.
Comment: Not observed at significant frequency in large population cohorts (gnomAD); In silico analysis supports that this missense variant has a deleterious effect on protein structure/function; Has not been previously published as pathogenic or benign to our knowledge

Ambry Genetics
Classification: Uncertain significance for Inborn genetic diseases. Last evaluated: 2024-03-19. Review status: criteria provided, single submitter. Criteria: Ambry Variant Classification Scheme 2023. Collection method: clinical testing. Allele origin: germline.

Blueprint Genetics
Classification: Uncertain significance. Last evaluated: 2023-08-23. Review status: criteria provided, single submitter. Criteria: ACMG Guidelines, 2015. Collection method: clinical testing. Allele origin: germline.

NM_080680.3(COL11A2):c.653A>G (p.Tyr218Cys)

Gene: COL11A2 (collagen type XI alpha 2 chain; minus strand). Cytogenetic location: 6p21.32.
Variant type: single nucleotide variant.
Coding change: c.653A>G on transcript NM_080680.3 (MANE Select); coding-DNA position 653, A replaced by G.
Protein change: p.Tyr218Cys; replaces tyrosine 218 with cysteine.
Molecular consequence: missense variant.
Genome position (GRCh38, 1-based): chr6:33,186,772, T>C on the plus strand (A>G on the coding strand, the complement: COL11A2 is on the minus strand). VCF-style: chr6-33186772-T-C. GRCh37 (hg19) VCF-style: chr6-33154549-T-C.
Other names: c.653A>G, p.Tyr218Cys (NM_001163771.2, NM_080679.3, NM_080681.3); c.653A>G (NM_080680.2); short protein forms Y218C.
Identifiers: ClinVar variation 2071553 (VCV002071553.7), dbSNP rs571279786, ClinGen allele CA3751603.
Genomic context (GRCh38, chr6:33,186,772, plus strand): 5'-TTTTGGGGTCTTTCCCTCTGGCCCCCCTCGCATTCCAGCTCCTTCTGTTCACATGATTCA[T>C]AGGCTGCCTGGACCCCTGGGACAATGGCCAGCTCCTGGACATCACCCTGCAAAGACATGA-3'
Protein context (NP_542411.2, residues 208-228): LAIVPGVQAA[Tyr218Cys]ESCEQKELEC